The following is an entry in ClinVar:

NM_001330311.2(DVL1):c.1461C>A (p.Ile487=)

Gene: DVL1 (dishevelled segment polarity protein 1; minus strand). Cytogenetic location: 1p36.33.
Variant type: single nucleotide variant.
Coding change: c.1461C>A on transcript NM_001330311.2 (MANE Select); coding-DNA position 1461, C replaced by A.
Protein change: p.Ile487=; no amino-acid change (isoleucine 487 retained).
Molecular consequence: synonymous variant.
Genome position (GRCh38, 1-based): chr1:1,338,315, G>T on the plus strand (C>A on the coding strand, the complement: DVL1 is on the minus strand). VCF-style: chr1-1338315-G-T. GRCh37 (hg19) VCF-style: chr1-1273695-G-T.
Other names: c.1386C>A, p.Ile462= (NM_004421.3).
Identifiers: ClinVar variation 746361 (VCV000746361.12), dbSNP rs145559274, ClinGen allele CA520084.

ClinVar aggregate classification (germline): Benign. Review status: criteria provided, multiple submitters, no conflicts (2 of 4 stars). 3 submissions from 3 submitters: Benign (2). 1 of the submissions does not count toward it. Last evaluated 2025-05-06.

Conditions:
DVL1-related disorder. Also called: DVL1-related condition.

Allele frequency attached by ClinVar (database versions not stated): gnomAD exomes 0.00004; TOPMed 0.00053; gnomAD 0.00056 and 0.00059; ESP Exome Variant Server 0.00062; 1000 Genomes Project 30x 0.00078; 1000 Genomes Project 0.00080.
gnomAD v4.1: 151 of 1,612,726 alleles (0.0094%); highest among the groups gnomAD compares: African/African-American, 0.18%; no homozygotes.

Submissions (3):

Labcorp Genetics (formerly Invitae), Labcorp
Classification: Benign. Last evaluated: 2025-05-06. Review status: criteria provided, single submitter. Criteria: Invitae Variant Classification Sherloc (09022015). Collection method: clinical testing. Allele origin: germline.

Breakthrough Genomics
Classification: Benign. Review status: criteria provided, single submitter. Criteria: ACMG Guidelines, 2015. Collection method: not provided. Allele origin: germline. Inheritance: Autosomal dominant inheritance. Affected: yes.

PreventionGenetics, part of Exact Sciences
Classification: Likely benign for DVL1-related condition. Last evaluated: 2019-05-28. Review status: no assertion criteria provided. Collection method: clinical testing. Allele origin: germline. Not counted in ClinVar's aggregate classification.
Comment: This variant is classified as likely benign based on ACMG/AMP sequence variant interpretation guidelines (Richards et al. 2015 PMID: 25741868, with internal and published modifications).